The following is an entry in ClinVar:

ClinVar aggregate classification (germline): Conflicting classifications of pathogenicity. Review status: criteria provided, conflicting classifications (1 of 4 stars). 3 submissions from 3 submitters: Likely pathogenic (2); Uncertain significance (1). Last evaluated 2025-06-09.

Conditions:
Congenital anomaly of kidney and urinary tract. Also called: Congenital anomalies of the kidney and urinary tract; Congenital anomalies of kidney and urinary tract. Identifiers: Orphanet 93545, MedGen C1968949, MeSH C566906, MONDO:0019719.
Stuve-Wiedemann syndrome (STWS). Also called: Stüve-Wiedemann syndrome. Identifiers: Orphanet 3206, MedGen C0796176, MONDO:0031280.

Allele frequency attached by ClinVar (database versions not stated): gnomAD exomes below 0.00001.
gnomAD v4.1: 1 of 1,611,146 alleles (0.000062%); highest among the groups gnomAD compares: Non-Finnish European, 0.000085%; no homozygotes.

Submissions (3):

Natera, Inc.
Classification: Likely pathogenic for Stuve-Wiedemann syndrome. Last evaluated: 2025-06-09. Review status: criteria provided, single submitter. Criteria: Natera Variant Classification Schema (03/2026). Collection method: clinical testing. Allele origin: germline.
Comment: The c.2168-1G>A variant in LIFR is a canonical splice acceptor site variant predicted to affect pre-mRNA splicing, which may result in an abnormal transcript and altered protein product. This variant is expected to result in nonsense mediated decay, truncation, or a dysfunctional protein product. This variant is rare in the general population with a frequency below the threshold expected for the associated phenotype(s). Given the available evidence, this variant is classified as Likely Pathogenic.

Molecular Genetics, Royal Melbourne Hospital
Classification: Uncertain significance for Congenital anomaly of kidney and urinary tract. Last evaluated: 2025-02-06. Review status: criteria provided, single submitter. Criteria: ACMG Guidelines, 2015. Collection method: clinical testing. Allele origin: germline. Inheritance: Autosomal dominant inheritance.
Comment: This sequence change in LIFR occurs within the canonical splice acceptor site of intron 15. It is predicted to cause skipping of biologically relevant exon 16/20, resulting in an in-frame deletion (removes amino acids 723-779) that is expected to escape nonsense-mediated decay and remove <10% of the protein. RNA assays have not been conducted to confirm this prediction. The highest population minor allele frequency in the population database gnomAD v4.1 is 0.00009% (1/1,178,628 alleles) in the European Non-Finnish population. ClinVar contains an entry for this variant (Variation ID: 1067405). To our knowledge this variant has not been reported in the relevant scientific literature. Based on the classification scheme RMH Modified ACMG Guidelines v1.7.1, this variant is classified as a VARIANT OF UNCERTAIN SIGNIFICANCE. Following criteria are met: PVS1_Moderate, PM2_Supporting

Labcorp Genetics (formerly Invitae), Labcorp
Classification: Likely pathogenic. Last evaluated: 2023-10-25. Review status: criteria provided, single submitter. Criteria: Invitae Variant Classification Sherloc (09022015). Collection method: clinical testing. Allele origin: germline.
Comment: This sequence change affects an acceptor splice site in intron 15 of the LIFR gene. It is expected to disrupt RNA splicing. Variants that disrupt the donor or acceptor splice site typically lead to a loss of protein function (PMID: 16199547), and loss-of-function variants in LIFR are known to be pathogenic (PMID: 14740318). This variant is not present in population databases (gnomAD no frequency). This variant has not been reported in the literature in individuals affected with LIFR-related conditions. ClinVar contains an entry for this variant (Variation ID: 1067405). Algorithms developed to predict the effect of sequence changes on RNA splicing suggest that this variant may disrupt the consensus splice site. In summary, the currently available evidence indicates that the variant is pathogenic, but additional data are needed to prove that conclusively. Therefore, this variant has been classified as Likely Pathogenic.

Literature cited by the submitters: PubMed 16199547 (cited by Labcorp Genetics (formerly Invitae), Labcorp); PubMed 14740318 (cited by Labcorp Genetics (formerly Invitae), Labcorp).

NM_001127671.2(LIFR):c.2168-1G>A

Gene: LIFR (LIF receptor subunit alpha; minus strand). Cytogenetic location: 5p13.1.
Variant type: single nucleotide variant.
Coding change: c.2168-1G>A on transcript NM_001127671.2 (MANE Select); the canonical splice acceptor site of the intron before coding-DNA position 2168, G replaced by A.
Molecular consequence: splice acceptor variant.
Genome position (GRCh38, 1-based): chr5:38,489,246, C>T on the plus strand (G>A on the coding strand, the complement: LIFR is on the minus strand). VCF-style: chr5-38489246-C-T. GRCh37 (hg19) VCF-style: chr5-38489348-C-T.
Other names: c.2168-1G>A (NM_002310.5, NM_002310.6, NM_001364298.2 and 1 more transcripts).
Identifiers: ClinVar variation 1067405 (VCV001067405.11), dbSNP rs2112393633, ClinGen allele CA359537384.